The following is an entry in ClinVar:

NM_000051.4(ATM):c.1514T>C (p.Phe505Ser)

Gene: ATM (ATM serine/threonine kinase; plus strand). Cytogenetic location: 11q22.3.
Variant type: single nucleotide variant.
Coding change: c.1514T>C on transcript NM_000051.4 (MANE Select); coding-DNA position 1514, T replaced by C.
Protein change: p.Phe505Ser; replaces phenylalanine 505 with serine.
Molecular consequence: missense variant.
Genome position (GRCh38, 1-based): chr11:108,250,979, T>C. VCF-style: chr11-108250979-T-C. GRCh37 (hg19) VCF-style: chr11-108121706-T-C.
Other names: c.1514T>C, p.Phe505Ser (NM_001351834.2); short protein forms F505S.
Identifiers: ClinVar variation 819371 (VCV000819371.9), dbSNP rs1555071109, ClinGen allele CA382534264.
Genomic context (GRCh38, chr11:108,250,979, plus strand): 5'-ATAAAATTTGGTGTATTACCTTTCGTGGTATAAGTTCTGAGCAAATACAAGCTGAAAACT[T>C]TGGCTTACTTGGAGCCATAATTCAGGGTAGTTTAGTTGAGGTTGACAGAGAATTCTGGAA-3'
Protein context (NP_000042.3, residues 495-515): ISSEQIQAEN[Phe505Ser]GLLGAIIQGS

ClinVar aggregate classification (germline): Conflicting classifications of pathogenicity. Review status: criteria provided, conflicting classifications (1 of 4 stars). 2 submissions from 2 submitters: Likely pathogenic (1); Uncertain significance (1). Last evaluated 2022-09-10.

Conditions:
Hereditary cancer-predisposing syndrome. Also called: Hereditary Cancer Syndrome; Neoplastic Syndromes, Hereditary; Hereditary neoplastic syndrome; Tumor predisposition. Identifiers: Orphanet 140162, MedGen C0027672, MeSH D009386, MONDO:0015356.
Ataxia-telangiectasia syndrome (AT). Also called: Cerebello-oculocutaneous telangiectasia; Immunodeficiency with ataxia telangiectasia; Ataxia-telangiectasia, complementation group E; Ataxia-telangiectasia, complementation group D; AT, COMPLEMENTATION GROUP C; ATAXIA-TELANGIECTASIA, COMPLEMENTATION GROUP A. Identifiers: Orphanet 100, MedGen C0004135, MONDO:0008840, OMIM 208900.

Submissions (2):

Labcorp Genetics (formerly Invitae), Labcorp
Classification: Uncertain significance for Ataxia-telangiectasia syndrome. Last evaluated: 2022-09-10. Review status: criteria provided, single submitter. Criteria: Invitae Variant Classification Sherloc (09022015). Collection method: clinical testing. Allele origin: germline.
Comment: Algorithms developed to predict the effect of missense changes on protein structure and function (SIFT, PolyPhen-2, Align-GVGD) all suggest that this variant is likely to be disruptive. In summary, the available evidence is currently insufficient to determine the role of this variant in disease. Therefore, it has been classified as a Variant of Uncertain Significance. ClinVar contains an entry for this variant (Variation ID: 819371). This missense change has been observed in individual(s) with clinical features of autosomal recessive ATM-related conditions and/or malignant peritoneal mesothelioma (PMID: 23509889, 30124550). This variant is not present in population databases (gnomAD no frequency). This sequence change replaces phenylalanine, which is neutral and non-polar, with serine, which is neutral and polar, at codon 505 of the ATM protein (p.Phe505Ser).

Ambry Genetics
Classification: Likely pathogenic for Hereditary cancer-predisposing syndrome. Last evaluated: 2018-06-20. Review status: criteria provided, single submitter. Criteria: Ambry Variant Classification Scheme 2023. Collection method: clinical testing. Allele origin: germline.
Comment: The p.F505S variant (also known as c.1514T>C), located in coding exon 9 of the ATM gene, results from a T to C substitution at nucleotide position 1514. The phenylalanine at codon 505 is replaced by serine, an amino acid with highly dissimilar properties. This alteration was identified in cis with ATM c.1547T>C (p.L516S) in four children from a consanguineous Arabic family with a mild presentation of Ataxia Telangiectasia, each of whose parents were found to be heterozygous for this haplotype. This same report also found that cells from these children showed reduced, but not absent, ATM protein expression as well as reduced and delayed phosphorylation of KAP1 (an ATM substrate) after neocarzinostatin-induced DNA damage (Bielorai B et al. Pediatr Hematol Oncol, 2013 Sep;30:574-82).This amino acid position is well conserved in available vertebrate species. In addition, the in silico prediction for this alteration is inconclusive. Based on the majority of available evidence to date, this variant is likely to be pathogenic.

Literature cited by the submitters: PubMed 23509889 (cited by Labcorp Genetics (formerly Invitae), Labcorp); PubMed 30124550 (cited by Labcorp Genetics (formerly Invitae), Labcorp).